The following is an entry in ClinVar:

NM_001029896.2(WDR45):c.456del (p.Ser153fs)

Gene: WDR45 (WD repeat domain 45; minus strand). Cytogenetic location: Xp11.23.
Variant type: Deletion.
Coding change: c.456del on transcript NM_001029896.2 (MANE Select); coding-DNA position 456, one base deleted (C; older notation c.456delC).
Protein change: p.Ser153fs; shifts the reading frame from serine 153.
Molecular consequence: frameshift variant.
Genome position (GRCh38, 1-based): chrX:49,075,926, G deleted on the plus strand (C on the coding strand, the reverse complement: WDR45 is on the minus strand); the first of 4 consecutive G bases (chrX:49,075,926-49,075,929); deleting any one gives the same sequence. VCF-style (leftmost placement, unchanged base first): chrX-49075925-TG-T. GRCh37 (hg19) VCF-style: chrX-48933584-TG-T.
Other names: c.459del, p.Ser154fs (NM_007075.4); short protein forms S153fs, S154fs.
Identifiers: ClinVar variation 3377326 (VCV003377326.1).
Genomic context (GRCh38, chrX:49,075,925, plus strand): 5'-CCACAAGTTGCAGACTCCCACACTTGTGTCCCGGGAACACTAGCAGTTGCTTCTCCAGGC[TG>T]GGGCAGAGGTCACAGAGCCCTAGGGTGTGAAGATGGGGGGTGGGGTGGGCGGCTGAAGAG-3'

ClinVar aggregate classification (germline): Pathogenic (1 of 4 stars; one submission).

Conditions:
Neurodegeneration with brain iron accumulation 5 (NBIA5). Also called: STATIC ENCEPHALOPATHY OF CHILDHOOD WITH NEURODEGENERATION IN ADULTHOOD; Beta-propeller protein-associated neurodegeneration. Identifiers: Orphanet 329284, MedGen C3550973, MONDO:0010476, OMIM 300894.

Submission:

Victorian Clinical Genetics Services, Murdoch Childrens Research Institute
Classification: Pathogenic for Neurodegeneration with brain iron accumulation 5. Last evaluated: 2024-10-09. Review status: criteria provided, single submitter. Criteria: ACMG Guidelines, 2015. Collection method: clinical testing. Allele origin: germline. Inheritance: X-linked dominant inheritance. Affected: yes.
Comment: Based on the classification scheme VCGS_Germline_v1.3.5, this variant is classified as Pathogenic. Following criteria are met: 0102 - Loss of function is a known mechanism of disease in this gene and is associated with neurodegeneration with brain iron accumulation 5 (MIM#300894). (I) 0110 - This gene is associated with X-linked dominant disease. (I) 0201 - Variant is predicted to cause nonsense-mediated decay (NMD) and loss of protein (premature termination codon is located at least 54 nucleotides upstream of the final exon-exon junction). (SP) 0251 - This variant is heterozygous. (I) 0301 - Variant is absent from gnomAD (v2, v3 and v4). (SP) 0701 - Other NMD-predicted variants comparable to the one identified in this case have very strong previous evidence for pathogenicity (DECIPHER). (SP) 0803 - This variant has limited previous evidence of pathogenicity in an unrelated individual. An alternative nucleotide deletion resulting in the same protein outcome, NM_001029896.2(WDR45):c.457del (p.Ser153fs*7), has been classified as pathogenic by a clinical laboratory in ClinVar. (SP) 0905 - No published segregation evidence has been identified for this variant. (I) 1007 - No published functional evidence has been identified for this variant. (I) 1208 - Inheritance information for this variant is not currently available in this individual. (I) Legend: (SP) - Supporting pathogenic, (I) - Information, (SB) - Supporting benign